The following is an entry in ClinVar:

NM_024422.6(DSC2):c.1540C>G (p.Pro514Ala)

Gene: DSC2 (desmocollin 2; minus strand). Cytogenetic location: 18q12.1.
Variant type: single nucleotide variant.
Coding change: c.1540C>G on transcript NM_024422.6 (MANE Select); coding-DNA position 1540, C replaced by G.
Protein change: p.Pro514Ala; replaces proline 514 with alanine.
Molecular consequence: missense variant.
Genome position (GRCh38, 1-based): chr18:31,079,970, G>C on the plus strand (C>G on the coding strand, the complement: DSC2 is on the minus strand). VCF-style: chr18-31079970-G-C. GRCh37 (hg19) VCF-style: chr18-28659936-G-C.
Other names: c.1111C>G, p.Pro371Ala (NM_001406506.1, NM_001406507.1); c.1540C>G, p.Pro514Ala (NM_004949.5); short protein forms P371A, P514A.
Identifiers: ClinVar variation 2179902 (VCV002179902.4), dbSNP rs1987154476, ClinGen allele CA402108239.

ClinVar aggregate classification (germline): Uncertain significance (1 of 4 stars; one submission).

Conditions:
Arrhythmogenic right ventricular dysplasia 11. Also called: Arrhythmogenic right ventricular dysplasia 11 with mild palmoplantar keratoderma and woolly hair; Arrhythmogenic Right Ventricular Dysplasia/Cardiomyopathy11; ARRHYTHMOGENIC RIGHT VENTRICULAR DYSPLASIA, FAMILIAL, 11. Identifiers: MedGen C1864850, MONDO:0012506, OMIM 610476.

gnomAD v4.1: 2 of 1,613,808 alleles (0.00012%); no homozygotes.

Submission:

Labcorp Genetics (formerly Invitae), Labcorp
Classification: Uncertain significance for Arrhythmogenic right ventricular dysplasia 11. Last evaluated: 2022-03-25. Review status: criteria provided, single submitter. Criteria: Invitae Variant Classification Sherloc (09022015). Collection method: clinical testing. Allele origin: germline.
Comment: In summary, the available evidence is currently insufficient to determine the role of this variant in disease. Therefore, it has been classified as a Variant of Uncertain Significance. Algorithms developed to predict the effect of missense changes on protein structure and function are either unavailable or do not agree on the potential impact of this missense change (SIFT: "Tolerated"; PolyPhen-2: "Possibly Damaging"; Align-GVGD: "Class C0"). This variant has not been reported in the literature in individuals affected with DSC2-related conditions. This variant is not present in population databases (gnomAD no frequency). This sequence change replaces proline, which is neutral and non-polar, with alanine, which is neutral and non-polar, at codon 514 of the DSC2 protein (p.Pro514Ala).